The following is an entry in ClinVar:

ClinVar aggregate classification (germline): Uncertain significance (1 of 4 stars; one submission).

Conditions:
Catecholaminergic polymorphic ventricular tachycardia 1. Also called: VENTRICULAR TACHYCARDIA, CATECHOLAMINERGIC POLYMORPHIC, 1, WITH OR WITHOUT ATRIAL DYSFUNCTION AND/OR DILATED CARDIOMYOPATHY; RYR2-Related Catecholaminergic Polymorphic Ventricular Tachycardia; VENTRICULAR TACHYCARDIA, STRESS-INDUCED POLYMORPHIC 1. Identifiers: Orphanet 3286, MedGen C1631597, MONDO:0011484, OMIM 604772.

Submission:

Labcorp Genetics (formerly Invitae), Labcorp
Classification: Uncertain significance for Catecholaminergic polymorphic ventricular tachycardia 1. Last evaluated: 2022-04-12. Review status: criteria provided, single submitter. Criteria: Invitae Variant Classification Sherloc (09022015). Collection method: clinical testing. Allele origin: germline.
Comment: The frequency data for this variant in the population databases is considered unreliable, as metrics indicate poor data quality at this position in the gnomAD database. This variant has not been reported in the literature in individuals affected with TRDN-related conditions. Algorithms developed to predict the effect of sequence changes on RNA splicing suggest that this variant may disrupt the consensus splice site. In summary, the available evidence is currently insufficient to determine the role of this variant in disease. Therefore, it has been classified as a Variant of Uncertain Significance. This sequence change affects codon 541 of the TRDN mRNA. It is a 'silent' change, meaning that it does not change the encoded amino acid sequence of the TRDN protein. It affects a nucleotide within the consensus splice site.

NM_006073.4(TRDN):c.1623C>T (p.His541=)

Gene: TRDN (triadin; minus strand). Cytogenetic location: 6q22.31.
Variant type: single nucleotide variant.
Coding change: c.1623C>T on transcript NM_006073.4 (MANE Select); coding-DNA position 1623, C replaced by T.
Protein change: p.His541=; no amino-acid change (histidine 541 retained).
Molecular consequence: synonymous variant.
Genome position (GRCh38, 1-based): chr6:123,273,338, G>A on the plus strand (C>T on the coding strand, the complement: TRDN is on the minus strand). VCF-style: chr6-123273338-G-A. GRCh37 (hg19) VCF-style: chr6-123594483-G-A.
Identifiers: ClinVar variation 2159093 (VCV002159093.4), dbSNP rs949570014, ClinGen allele CA147231748.